The following is an entry in ClinVar:

NM_000428.3(LTBP2):c.3333G>A (p.Thr1111=)

Gene: LTBP2 (latent transforming growth factor beta binding protein 2; minus strand). Cytogenetic location: 14q24.3.
Variant type: single nucleotide variant.
Coding change: c.3333G>A on transcript NM_000428.3 (MANE Select); coding-DNA position 3333, G replaced by A.
Protein change: p.Thr1111=; no amino-acid change (threonine 1111 retained).
Molecular consequence: synonymous variant.
Genome position (GRCh38, 1-based): chr14:74,509,308, C>T on the plus strand (G>A on the coding strand, the complement: LTBP2 is on the minus strand). VCF-style: chr14-74509308-C-T. GRCh37 (hg19) VCF-style: chr14-74976011-C-T.
Identifiers: ClinVar variation 776849 (VCV000776849.16), dbSNP rs61729544, ClinGen allele CA7269209.
Genomic context (GRCh38, chr14:74,509,308, plus strand): 5'-GTCACCCAGGGGGCTGGGCCGGTAGCCCCCATCGCAGTCCTTGCAGGAGAAGGAGCCAGC[C>T]GTGTTGGTGCAGACTCCGGAGGGGCAGACTCCCGGGAAGGCACACTCATCTAGGTCTGCA-3'
Protein context (NP_000419.1, residues 1101-1121): GVCPSGVCTN[Thr1111=]AGSFSCKDCD

ClinVar aggregate classification (germline): Benign/Likely benign. Review status: criteria provided, multiple submitters, no conflicts (2 of 4 stars). 4 submissions from 3 submitters: Benign (3); Likely benign (1). Last evaluated 2026-01-21.

Conditions:
Weill-Marchesani syndrome. Also called: WM Syndrome; Mesodermal dysmorphodystrophy congenital. Identifiers: Orphanet 3449, MedGen C0265313, MONDO:0018096.
Glaucoma 3, primary congenital, D. Identifiers: Orphanet 98976, MedGen C2751316, MONDO:0013122, OMIM 613086.

Allele frequency attached by ClinVar (database versions not stated): ExAC 0.00206; gnomAD 0.00608 and 0.00645; ESP Exome Variant Server 0.00630; TOPMed 0.00661; 1000 Genomes Project 0.00699; 1000 Genomes Project 30x 0.00906.
gnomAD v4.1: 2,135 of 1,613,676 alleles (0.13%); highest among the groups gnomAD compares: African/African-American, 2%; 23 homozygotes.

Submissions (4):

Labcorp Genetics (formerly Invitae), Labcorp
Classification: Benign. Last evaluated: 2026-01-21. Review status: criteria provided, single submitter. Criteria: Invitae Variant Classification Sherloc (09022015). Collection method: clinical testing. Allele origin: germline.

GeneDx
Classification: Likely benign. Last evaluated: 2021-03-11. Review status: criteria provided, single submitter. Criteria: GeneDx Variant Classification Process June 2021. Collection method: clinical testing. Allele origin: germline. Affected: yes.

Illumina Laboratory Services, Illumina
Classification: Benign for Glaucoma 3, primary congenital, D. Last evaluated: 2017-11-01. Review status: criteria provided, single submitter. Criteria: ICSL Variant Classification Criteria 13 December 2019. Collection method: clinical testing. Allele origin: germline.
Comment: This variant was observed as part of a predisposition screen in an ostensibly healthy population. A literature search was performed for the gene, cDNA change, and amino acid change (where applicable). Publications were found based on this search. The evidence from the literature, in combination with allele frequency data from public databases where available, was sufficient to rule this variant out of causing disease. Therefore, this variant is classified as benign.

Illumina Laboratory Services, Illumina
Classification: Benign for Weill-Marchesani syndrome. Last evaluated: 2017-11-01. Review status: criteria provided, single submitter. Criteria: ICSL Variant Classification Criteria 13 December 2019. Collection method: clinical testing. Allele origin: germline.
Comment: This variant was observed as part of a predisposition screen in an ostensibly healthy population. A literature search was performed for the gene, cDNA change, and amino acid change (where applicable). No publications were found based on this search. Allele frequency data from public databases was too high to be consistent with this variant causing disease. Therefore, this variant is classified as benign.

Literature cited by the submitters: PubMed 27293371 (cited by Illumina Laboratory Services, Illumina); PubMed 23218701 (cited by Illumina Laboratory Services, Illumina).